The following is an entry in ClinVar:

NM_152263.4(TPM3):c.821A>C (p.Glu274Ala)

Gene: TPM3 (tropomyosin 3; minus strand). Cytogenetic location: 1q21.3.
Variant type: single nucleotide variant.
Coding change: c.821A>C on transcript NM_152263.4 (MANE Select); coding-DNA position 821, A replaced by C.
Protein change: p.Glu274Ala; replaces glutamic acid 274 with alanine.
Molecular consequence: missense variant. On other transcripts: intron variant (10).
Genome position (GRCh38, 1-based): chr1:154,169,338, T>G on the plus strand (A>C on the coding strand, the complement: TPM3 is on the minus strand). VCF-style: chr1-154169338-T-G. GRCh37 (hg19) VCF-style: chr1-154141814-T-G.
Other names: c.775+1062A>C (NM_001364679.2, NM_001364681.2, NM_001364680.2); c.466+1062A>C (NM_001278188.2); c.664+1062A>C (NM_001043351.2, NM_001043353.2, NM_153649.4 and 1 more transcripts); c.601+1062A>C (NM_001278190.2); c.394+1062A>C (NM_001278191.2); c.710A>C, p.Glu237Ala (NM_001278189.2, NM_001349679.2, NM_001364683.1); c.821A>C, p.Glu274Ala (NM_001364682.1); short protein forms E237A, E274A.
Identifiers: ClinVar variation 2926368 (VCV002926368.3), dbSNP rs1255393670, ClinGen allele CA342582024.

ClinVar aggregate classification (germline): Uncertain significance (1 of 4 stars; one submission).

Conditions:
Congenital myopathy 4B, autosomal recessive. Also called: Nemaline myopathy 1, autosomal dominant or recessive. Identifiers: Orphanet 171433, Orphanet 171439, Orphanet 171881, MedGen C5829889, MONDO:0012239, OMIM 609284.
Congenital myopathy with fiber type disproportion. Also called: Congenital fiber-type disproportion; Congenital fiber-type disproportion myopathy. Identifiers: Orphanet 2020, MedGen C0546264, MONDO:0009711. Inheritance: all.

Allele frequency attached by ClinVar (database versions not stated): gnomAD exomes below 0.00001.
gnomAD v4.1: 1 of 1,614,168 alleles (0.000062%); highest among the groups gnomAD compares: Admixed American, 0.0017%; no homozygotes.

Submission:

Labcorp Genetics (formerly Invitae), Labcorp
Classification: Uncertain significance for Congenital myopathy with fiber type disproportion; Congenital myopathy 4B, autosomal recessive. Last evaluated: 2023-12-13. Review status: criteria provided, single submitter. Criteria: Invitae Variant Classification Sherloc (09022015). Collection method: clinical testing. Allele origin: germline.
Comment: This sequence change replaces glutamic acid, which is acidic and polar, with alanine, which is neutral and non-polar, at codon 274 of the TPM3 protein (p.Glu274Ala). This variant is present in population databases (no rsID available, gnomAD 0.003%). This variant has not been reported in the literature in individuals affected with TPM3-related conditions. Advanced modeling of protein sequence and biophysical properties (such as structural, functional, and spatial information, amino acid conservation, physicochemical variation, residue mobility, and thermodynamic stability) performed at Invitae indicates that this missense variant is not expected to disrupt TPM3 protein function with a negative predictive value of 80%. In summary, the available evidence is currently insufficient to determine the role of this variant in disease. Therefore, it has been classified as a Variant of Uncertain Significance.